The following is an entry in ClinVar:

NM_001142800.2(EYS):c.7669G>A (p.Glu2557Lys)

Gene: EYS (EGF-like photoreceptor maintenance factor; minus strand). Cytogenetic location: 6q12.
Variant type: single nucleotide variant.
Coding change: c.7669G>A on transcript NM_001142800.2 (MANE Select); coding-DNA position 7669, G replaced by A.
Protein change: p.Glu2557Lys; replaces glutamic acid 2557 with lysine.
Molecular consequence: missense variant.
Genome position (GRCh38, 1-based): chr6:63,788,159, C>T on the plus strand (G>A on the coding strand, the complement: EYS is on the minus strand). VCF-style: chr6-63788159-C-T. GRCh37 (hg19) VCF-style: chr6-64498052-C-T.
Other names: c.7669G>A, p.Glu2557Lys (NM_001292009.2); short protein forms E2557K.
Identifiers: ClinVar variation 1515575 (VCV001515575.4), dbSNP rs945318474, ClinGen allele CA140243937.

ClinVar aggregate classification (germline): Uncertain significance. Review status: criteria provided, multiple submitters, no conflicts (2 of 4 stars). 2 submissions from 2 submitters: Uncertain significance (2). Last evaluated 2022-09-27.

Allele frequency attached by ClinVar (database versions not stated): gnomAD exomes below 0.00001; gnomAD 0.00003 and 0.00004; TOPMed 0.00006.
gnomAD v4.1: 11 of 1,548,888 alleles (0.00071%); highest among the groups gnomAD compares: African/African-American, 0.014%; no homozygotes.

Submissions (2):

Labcorp Genetics (formerly Invitae), Labcorp
Classification: Uncertain significance. Last evaluated: 2022-09-27. Review status: criteria provided, single submitter. Criteria: Invitae Variant Classification Sherloc (09022015). Collection method: clinical testing. Allele origin: germline.
Comment: This sequence change replaces glutamic acid, which is acidic and polar, with lysine, which is basic and polar, at codon 2557 of the EYS protein (p.Glu2557Lys). This variant is present in population databases (no rsID available, gnomAD 0.01%). This variant has not been reported in the literature in individuals affected with EYS-related conditions. ClinVar contains an entry for this variant (Variation ID: 1515575). Advanced modeling of protein sequence and biophysical properties (such as structural, functional, and spatial information, amino acid conservation, physicochemical variation, residue mobility, and thermodynamic stability) has been performed at Invitae for this missense variant, however the output from this modeling did not meet the statistical confidence thresholds required to predict the impact of this variant on EYS protein function. In summary, the available evidence is currently insufficient to determine the role of this variant in disease. Therefore, it has been classified as a Variant of Uncertain Significance.

Blueprint Genetics
Classification: Uncertain significance. Last evaluated: 2019-10-16. Review status: criteria provided, single submitter. Criteria: ACMG Guidelines, 2015. Collection method: clinical testing. Allele origin: germline.